The following is an entry in ClinVar:

NM_022772.4(EPS8L2):c.1599C>T (p.Ser533=)

Genes: EPS8L2 (EPS8 signaling adaptor L2; plus strand), LOC130005080 (ATAC-STARR-seq lymphoblastoid silent region 3020; plus strand). Cytogenetic location: 11p15.5.
Variant type: single nucleotide variant.
Coding change: c.1599C>T on transcript NM_022772.4 (MANE Select); coding-DNA position 1599, C replaced by T.
Protein change: p.Ser533=; no amino-acid change (serine 533 retained).
Molecular consequence: synonymous variant.
Genome position (GRCh38, 1-based): chr11:725,766, C>T. VCF-style: chr11-725766-C-T. GRCh37 (hg19) VCF-style: chr11-725766-C-T.
Other names: c.1599C>T (NM_022772.3).
Identifiers: ClinVar variation 2048385 (VCV002048385.7), dbSNP rs756797442, ClinGen allele CA216942823.
Genomic context (GRCh38, chr11:725,766, plus strand): 5'-GGGCTGACGGCGCGCCCCGCAGGTGCTGGAGGACGGCCGGCAGTGGTGGAAGCTGCGCAG[C>T]CGCAGCGGCCAGGCGGGGTACGTGCCCTGCAACATCCTAGGCGAGGCGCGACCGGAGGAC-3'
Protein context (NP_073609.2, residues 523-543): EDGRQWWKLR[Ser533=]RSGQAGYVPC

ClinVar aggregate classification (germline): Likely benign. Review status: criteria provided, multiple submitters, no conflicts (2 of 4 stars). 3 submissions from 3 submitters: Likely benign (2). 1 of the submissions does not count toward it. Last evaluated 2023-11-13.

Conditions:
EPS8L2-related disorder. Also called: EPS8L2-related condition.

Allele frequency attached by ClinVar (database versions not stated): gnomAD 0.00005; TOPMed 0.00006.

Submissions (3):

Blueprint Genetics
Classification: Likely benign. Last evaluated: 2023-11-13. Review status: criteria provided, single submitter. Criteria: ACMG Guidelines, 2015. Collection method: clinical testing. Allele origin: germline.

Labcorp Genetics (formerly Invitae), Labcorp
Classification: Likely benign. Last evaluated: 2022-04-24. Review status: criteria provided, single submitter. Criteria: Invitae Variant Classification Sherloc (09022015). Collection method: clinical testing. Allele origin: germline.

PreventionGenetics, part of Exact Sciences
Classification: Likely benign for EPS8L2-related condition. Last evaluated: 2021-01-05. Review status: no assertion criteria provided. Collection method: clinical testing. Allele origin: germline. Not counted in ClinVar's aggregate classification.
Comment: This variant is classified as likely benign based on ACMG/AMP sequence variant interpretation guidelines (Richards et al. 2015 PMID: 25741868, with internal and published modifications).